The following is an entry in ClinVar:

ClinVar aggregate classification (germline): Pathogenic. Review status: criteria provided, multiple submitters, no conflicts (2 of 4 stars). 2 submissions from 2 submitters: Pathogenic (2). Last evaluated 2025-08-10.

Conditions:
Ellis-van Creveld syndrome (EVC). Also called: MESOECTODERMAL DYSPLASIA; Chondroectodermal dysplasia. Identifiers: Orphanet 289, MedGen C0013903, MONDO:0009162, OMIM 225500.
Curry-Hall syndrome (WAD). Also called: WEYERS ACRODENTAL DYSOSTOSIS. Identifiers: Orphanet 952, MedGen C0457013, MONDO:0008673, OMIM 193530.

Submissions (2):

Myriad Genetics, Inc.
Classification: Pathogenic for Ellis-van Creveld syndrome. Last evaluated: 2025-08-10. Review status: criteria provided, single submitter. Criteria: Myriad Autosomal Dominant, Autosomal Recessive and X-Linked Classification Criteria (2023). Collection method: clinical testing. Allele origin: unknown.
Comment: NM_153717.2(EVC):c.1572C>G(Y524*) is expected to be pathogenic in the context of EVC-related Ellis-van Creveld syndrome. This variant is predicted to lead to an abnormal or absent protein product due to the creation of a premature termination codon in EVC, a gene where loss-of-function variants are known to be pathogenic. Please note: this variant was assessed in the context of healthy population screening.

Labcorp Genetics (formerly Invitae), Labcorp
Classification: Pathogenic for Curry-Hall syndrome; Ellis-van Creveld syndrome. Last evaluated: 2022-04-17. Review status: criteria provided, single submitter. Criteria: Invitae Variant Classification Sherloc (09022015). Collection method: clinical testing. Allele origin: germline.
Comment: For these reasons, this variant has been classified as Pathogenic. This variant has not been reported in the literature in individuals affected with EVC-related conditions. This variant is not present in population databases (gnomAD no frequency). This sequence change creates a premature translational stop signal (p.Tyr524*) in the EVC gene. It is expected to result in an absent or disrupted protein product. Loss-of-function variants in EVC are known to be pathogenic (PMID: 23220543).

Literature cited by the submitters: PubMed 23220543 (cited by Labcorp Genetics (formerly Invitae), Labcorp).

NM_153717.3(EVC):c.1572C>G (p.Tyr524Ter)

Gene: EVC (EvC ciliary complex subunit 1; plus strand). Cytogenetic location: 4p16.2.
Variant type: single nucleotide variant.
Coding change: c.1572C>G on transcript NM_153717.3 (MANE Select); coding-DNA position 1572, C replaced by G.
Protein change: p.Tyr524Ter; replaces tyrosine 524 with a stop codon.
Molecular consequence: nonsense.
Genome position (GRCh38, 1-based): chr4:5,783,560, C>G. VCF-style: chr4-5783560-C-G. GRCh37 (hg19) VCF-style: chr4-5785287-C-G.
Other names: c.1572C>G, p.Tyr524Ter (NM_001306090.2); short protein forms Y524*.
Identifiers: ClinVar variation 2127152 (VCV002127152.5), dbSNP rs1735952327, ClinGen allele CA356160525.